The following is an entry in ClinVar:

ClinVar aggregate classification (germline): Uncertain significance. Review status: criteria provided, multiple submitters, no conflicts (2 of 4 stars). 2 submissions from 2 submitters: Uncertain significance (2). Last evaluated 2026-01-06.

Conditions:
Hereditary cancer-predisposing syndrome. Also called: Tumor predisposition; Hereditary neoplastic syndrome; Hereditary Cancer Syndrome; Neoplastic Syndromes, Hereditary. Identifiers: Orphanet 140162, MedGen C0027672, MeSH D009386, MONDO:0015356.

Allele frequency attached by ClinVar (database versions not stated): gnomAD exomes below 0.00001.
gnomAD v4.1: 1 of 1,612,928 alleles (0.000062%); highest among the groups gnomAD compares: Admixed American, 0.0017%; no homozygotes.

Submissions (2):

Ambry Genetics
Classification: Uncertain significance for Hereditary cancer-predisposing syndrome. Last evaluated: 2026-01-06. Review status: criteria provided, single submitter. Criteria: Ambry Variant Classification Scheme 2023. Collection method: clinical testing. Allele origin: germline.
Comment: The p.T746A variant (also known as c.2236A>G), located in coding exon 15 of the MSH3 gene, results from an A to G substitution at nucleotide position 2236. The threonine at codon 746 is replaced by alanine, an amino acid with similar properties. This amino acid position is conserved. In addition, the in silico prediction for this alteration is inconclusive. Based on the available evidence, the clinical significance of this variant remains unclear.

Labcorp Genetics (formerly Invitae), Labcorp
Classification: Uncertain significance. Last evaluated: 2025-07-30. Review status: criteria provided, single submitter. Criteria: Invitae Variant Classification Sherloc (09022015). Collection method: clinical testing. Allele origin: germline.
Comment: This sequence change replaces threonine, which is neutral and polar, with alanine, which is neutral and non-polar, at codon 746 of the MSH3 protein (p.Thr746Ala). This variant is present in population databases (no rsID available, gnomAD 0.003%). This variant has not been reported in the literature in individuals affected with MSH3-related conditions. ClinVar contains an entry for this variant (Variation ID: 942628). An algorithm developed to predict the effect of missense changes on protein structure and function (PolyPhen-2) suggests that this variant is likely to be disruptive. In summary, the available evidence is currently insufficient to determine the role of this variant in disease. Therefore, it has been classified as a Variant of Uncertain Significance.

NM_002439.5(MSH3):c.2236A>G (p.Thr746Ala)

Gene: MSH3 (mutS homolog 3; plus strand). Cytogenetic location: 5q14.1.
Variant type: single nucleotide variant.
Coding change: c.2236A>G on transcript NM_002439.5 (MANE Select); coding-DNA position 2236, A replaced by G.
Protein change: p.Thr746Ala; replaces threonine 746 with alanine.
Molecular consequence: missense variant.
Genome position (GRCh38, 1-based): chr5:80,768,986, A>G. VCF-style: chr5-80768986-A-G. GRCh37 (hg19) VCF-style: chr5-80064805-A-G.
Other names: c.2236A>G (NM_002439.3); short protein forms T746A.
Identifiers: ClinVar variation 942628 (VCV000942628.10), dbSNP rs1339944312, ClinGen allele CA360279759.